The following is an entry in ClinVar:

ClinVar aggregate classification (germline): Uncertain significance (1 of 4 stars; one submission).

Conditions:
Fanconi anemia (FA). Also called: Fanconi's anemia. Identifiers: Orphanet 84, MedGen C0015625, MeSH D005199, MONDO:0019391.

Submission:

Labcorp Genetics (formerly Invitae), Labcorp
Classification: Uncertain significance for Fanconi anemia. Last evaluated: 2024-05-09. Review status: criteria provided, single submitter. Criteria: Invitae Variant Classification Sherloc (09022015). Collection method: clinical testing. Allele origin: germline.
Comment: This sequence change replaces valine, which is neutral and non-polar, with leucine, which is neutral and non-polar, at codon 1513 of the SLX4 protein (p.Val1513Leu). This variant is not present in population databases (gnomAD no frequency). This variant has not been reported in the literature in individuals affected with SLX4-related conditions. An algorithm developed to predict the effect of missense changes on protein structure and function (PolyPhen-2) suggests that this variant is likely to be tolerated. In summary, the available evidence is currently insufficient to determine the role of this variant in disease. Therefore, it has been classified as a Variant of Uncertain Significance.

NM_032444.4(SLX4):c.4537G>C (p.Val1513Leu)

Gene: SLX4 (SLX4 structure-specific endonuclease subunit; minus strand). Cytogenetic location: 16p13.3.
Variant type: single nucleotide variant.
Coding change: c.4537G>C on transcript NM_032444.4 (MANE Select); coding-DNA position 4537, G replaced by C.
Protein change: p.Val1513Leu; replaces valine 1513 with leucine.
Molecular consequence: missense variant.
Genome position (GRCh38, 1-based): chr16:3,589,101, C>G on the plus strand (G>C on the coding strand, the complement: SLX4 is on the minus strand). VCF-style: chr16-3589101-C-G. GRCh37 (hg19) VCF-style: chr16-3639102-C-G.
Other names: short protein forms V1513L.
Identifiers: ClinVar variation 3672976 (VCV003672976.2).
Genomic context (GRCh38, chr16:3,589,101, plus strand): 5'-CGCTTGGCATCTGGGCCGGAGGAGGGGTCTCTGGAGGCCTCTGCTCTTCCCCGTCCCAAA[C>G]GTCCCACAGAGCCGAATTCAGAAAGCTCGGCCTGCTATTCCCCAGGGAGCCCGCGCCCGA-3'
Protein context (NP_115820.2, residues 1503-1523): PSFLNSALWD[Val1513Leu]WDGEEQRPPE